The following is an entry in ClinVar:

NM_000046.5(ARSB):c.647C>T (p.Thr216Ile)

Gene: ARSB (arylsulfatase B; minus strand). Cytogenetic location: 5q14.1.
Variant type: single nucleotide variant.
Coding change: c.647C>T on transcript NM_000046.5 (MANE Select); coding-DNA position 647, C replaced by T.
Protein change: p.Thr216Ile; replaces threonine 216 with isoleucine.
Molecular consequence: missense variant.
Genome position (GRCh38, 1-based): chr5:78,964,459, G>A on the plus strand (C>T on the coding strand, the complement: ARSB is on the minus strand). VCF-style: chr5-78964459-G-A. GRCh37 (hg19) VCF-style: chr5-78260282-G-A.
Other names: c.647C>T, p.Thr216Ile (NM_198709.3); short protein forms T216I.
Identifiers: ClinVar variation 527327 (VCV000527327.9), dbSNP rs200364654, ClinGen allele CA3318218.

ClinVar aggregate classification (germline): Uncertain significance. Review status: criteria provided, multiple submitters, no conflicts (2 of 4 stars). 4 submissions from 4 submitters: Uncertain significance (3). 1 of the submissions does not count toward it. Last evaluated 2025-11-10.

Conditions:
Mucopolysaccharidosis type 6 (MPS6). Also called: ARSB DEFICIENCY; ARYLSULFATASE B DEFICIENCY; N-ACETYLGALACTOSAMINE-4-SULFATASE DEFICIENCY; MPS VI; MPS 6; Maroteaux Lamy syndrome. Identifiers: Orphanet 583, MedGen C0026709, MONDO:0009661, OMIM 253200.
Inborn genetic diseases. Identifiers: MedGen C0950123, MeSH D030342.

Allele frequency attached by ClinVar (database versions not stated): ExAC 0.00002; TOPMed 0.00003; gnomAD exomes 0.00005 and 0.00006; gnomAD 0.00006.
gnomAD v4.1: 92 of 1,613,908 alleles (0.0057%); highest among the groups gnomAD compares: Admixed American, 0.013%; no homozygotes.

Submissions (4):

Labcorp Genetics (formerly Invitae), Labcorp
Classification: Uncertain significance for Mucopolysaccharidosis type 6. Last evaluated: 2025-11-10. Review status: criteria provided, single submitter. Criteria: Invitae Variant Classification Sherloc (09022015). Collection method: clinical testing. Allele origin: germline.
Comment: This sequence change replaces threonine, which is neutral and polar, with isoleucine, which is neutral and non-polar, at codon 216 of the ARSB protein (p.Thr216Ile). This variant is present in population databases (rs200364654, gnomAD 0.02%). This variant has not been reported in the literature in individuals affected with ARSB-related conditions. ClinVar contains an entry for this variant (Variation ID: 527327). Invitae Evidence Modeling of protein sequence and biophysical properties (such as structural, functional, and spatial information, amino acid conservation, physicochemical variation, residue mobility, and thermodynamic stability) has been performed for this missense variant. However, the output from this modeling did not meet the statistical confidence thresholds required to predict the impact of this variant on ARSB protein function. In summary, the available evidence is currently insufficient to determine the role of this variant in disease. Therefore, it has been classified as a Variant of Uncertain Significance.

Ambry Genetics
Classification: Uncertain significance for Inborn genetic diseases. Last evaluated: 2024-08-20. Review status: criteria provided, single submitter. Criteria: Ambry Variant Classification Scheme 2023. Collection method: clinical testing. Allele origin: germline.

GeneDx
Classification: Uncertain significance. Last evaluated: 2022-08-26. Review status: criteria provided, single submitter. Criteria: GeneDx Variant Classification Process June 2021. Collection method: clinical testing. Allele origin: germline. Affected: yes.
Comment: In silico analysis supports that this missense variant has a deleterious effect on protein structure/function; Has not been previously published as pathogenic or benign to our knowledge

Natera, Inc.
Classification: Uncertain significance for Mucopolysaccharidosis type VI. Last evaluated: 2020-02-26. Review status: no assertion criteria provided. Collection method: clinical testing. Allele origin: germline. Not counted in ClinVar's aggregate classification.